The following is an entry in ClinVar:

ClinVar aggregate classification (germline): Uncertain significance (1 of 4 stars; one submission).

Submission:

Women's Health and Genetics/Laboratory Corporation of America, LabCorp
Classification: Uncertain significance. Last evaluated: 2024-07-31. Review status: criteria provided, single submitter. Criteria: LabCorp Variant Classification Summary - May 2015. Collection method: clinical testing. Allele origin: germline.
Comment: Variant summary: The variant involves the duplication of exons 14-16 in the DMD gene. A presumed nomenclature of c.(1602+1_1603-1)_(1992+1_1993-1)dup has been designated for the purposes of this classification. It is assumed to be a tandem duplication in direct orientation (PMIDs: 25640679, 30054569). This Copy Number Variant (CNV) is predicted to result in an in-frame duplication within this gene. The variant was absent in 16120 control chromosomes (gnomAD Structural Variants dataset). The available data on variant occurrences in the general population are insufficient to allow any conclusion about variant significance. The duplication of exons 14-16 has been reported in the literature to be found in at least one patient affected with a milder, Becker-like muscular dystrophy phenotype (e.g. Kekou_2023). These data do not allow clear conclusions about variant significance. To our knowledge, no experimental evidence demonstrating an impact on protein function has been reported. The following publication have been ascertained in the context of this evaluation (PMID: 37754746). No submitters have cited clinical-significance assessments for this variant to ClinVar. Based on the evidence outlined above, the variant was classified as uncertain significance.

Literature cited by the submitters: PubMed 33101180; PubMed 37754746.

NC_000023.10:g.(32563452_32583818)_(32591964_32613873)dup

Gene: DMD (dystrophin; minus strand). Cytogenetic location: Xp21.1.
Variant type: Duplication.
Identifiers: ClinVar variation 3339384 (VCV003339384.1).